The following is an entry in ClinVar:

NM_018669.6(WDR4):c.791+4A>G

Gene: WDR4 (WDR4 tRNA N7-guanosine methyltransferase non-catalytic subunit; minus strand). Cytogenetic location: 21q22.3.
Variant type: single nucleotide variant.
Coding change: c.791+4A>G on transcript NM_018669.6 (MANE Select); 4 bases into the intron after coding-DNA position 791, A replaced by G.
Molecular consequence: intron variant.
Genome position (GRCh38, 1-based): chr21:42,854,558, T>C on the plus strand (A>G on the coding strand, the complement: WDR4 is on the minus strand). VCF-style: chr21-42854558-T-C. GRCh37 (hg19) VCF-style: chr21-44274668-T-C.
Other names: c.791+4A>G (NM_033661.5); c.353+4A>G (NM_001260476.2, NM_001260475.2, NM_001260477.2); c.788+4A>G (NM_001260474.2).
Identifiers: ClinVar variation 2067868 (VCV002067868.4), dbSNP rs367704779, ClinGen allele CA10045937.

ClinVar aggregate classification (germline): Uncertain significance. Review status: criteria provided, multiple submitters, no conflicts (2 of 4 stars). 2 submissions from 2 submitters: Uncertain significance (2). Last evaluated 2025-04-11.

Conditions:
Inborn genetic diseases. Identifiers: MedGen C0950123, MeSH D030342.

Allele frequency attached by ClinVar (database versions not stated): TOPMed 0.00024; gnomAD exomes 0.00038; ExAC 0.00051; ESP Exome Variant Server 0.00015; gnomAD 0.00020.
gnomAD v4.1: 586 of 1,612,858 alleles (0.036%); highest among the groups gnomAD compares: Non-Finnish European, 0.047%; no homozygotes.

Submissions (5):

Ambry Genetics
Classification: Uncertain significance for Inborn genetic diseases. Last evaluated: 2025-04-11. Review status: criteria provided, single submitter. Criteria: Ambry Variant Classification Scheme 2023. Collection method: clinical testing. Allele origin: germline.
Comment: The c.791+4A>G intronic alteration consists of a A to G substitution nucleotides after coding exon 8 in the WDR4 gene. Based on insufficient or conflicting evidence, the clinical significance of this alteration remains unclear.

Labcorp Genetics (formerly Invitae), Labcorp
Classification: Uncertain significance. Last evaluated: 2022-06-10. Review status: criteria provided, single submitter. Criteria: Invitae Variant Classification Sherloc (09022015). Collection method: clinical testing. Allele origin: germline.
Comment: This sequence change falls in intron 8 of the WDR4 gene. It does not directly change the encoded amino acid sequence of the WDR4 protein. It affects a nucleotide within the consensus splice site. This variant is present in population databases (rs367704779, gnomAD 0.06%). This variant has not been reported in the literature in individuals affected with WDR4-related conditions. Variants that disrupt the consensus splice site are a relatively common cause of aberrant splicing (PMID: 17576681, 9536098). Algorithms developed to predict the effect of sequence changes on RNA splicing suggest that this variant may disrupt the consensus splice site. In summary, the available evidence is currently insufficient to determine the role of this variant in disease. Therefore, it has been classified as a Variant of Uncertain Significance.

Dr. Peter K. Rogan Lab, Western University
No classification provided (evidence only). Condition: Melanoma. Review status: no classification provided. Collection method: in vitro. Allele origin: not applicable. Functional consequence: retained intron. Not counted in ClinVar's aggregate classification.

Dr. Peter K. Rogan Lab, Western University
No classification provided (evidence only). Condition: Acute myeloid leukemia. Review status: no classification provided. Collection method: in vitro. Allele origin: not applicable. Functional consequence: retained intron. Not counted in ClinVar's aggregate classification.

Dr. Peter K. Rogan Lab, Western University
No classification provided (evidence only). Condition: Adrenocortical carcinoma, hereditary. Review status: no classification provided. Collection method: in vitro. Allele origin: not applicable. Functional consequence: retained intron. Not counted in ClinVar's aggregate classification.

Literature cited by the submitters: PubMed 17576681 (cited by Labcorp Genetics (formerly Invitae), Labcorp); PubMed 9536098 (cited by Labcorp Genetics (formerly Invitae), Labcorp).